The following is an entry in ClinVar:

NM_003140.3(SRY):c.192G>A (p.Met64Ile)

Gene: SRY (sex determining region Y; minus strand). Cytogenetic location: Yp11.2.
Variant type: single nucleotide variant.
Coding change: c.192G>A on transcript NM_003140.3 (MANE Select); coding-DNA position 192, G replaced by A.
Protein change: p.Met64Ile; replaces methionine 64 with isoleucine.
Molecular consequence: missense variant.
Genome position (GRCh38, 1-based): chrY:2,787,412, C>T on the plus strand (G>A on the coding strand, the complement: SRY is on the minus strand). VCF-style: chrY-2787412-C-T. GRCh37 (hg19) VCF-style: chrY-2655453-C-T.
Other names: short protein forms M64I.
Identifiers: ClinVar variation 9747 (VCV000009747.3), dbSNP rs104894969, ClinGen allele CA254875.

ClinVar aggregate classification (germline): Likely pathogenic. Review status: criteria provided, single submitter (1 of 4 stars). 2 submissions from 2 submitters: Likely pathogenic (1). 1 of the submissions does not count toward it. Last evaluated 2024-09-06.

Conditions:
46,XY sex reversal 1. Also called: 46,XY SEX REVERSAL, SRY-RELATED; SRY-related 46,XY complete gonadal dysgenesis. Identifiers: Orphanet 242, MedGen C2748896, MONDO:0020712, OMIM 400044.

Submissions (2):

Labcorp Genetics (formerly Invitae), Labcorp
Classification: Likely pathogenic for 46,XY sex reversal 1. Last evaluated: 2024-09-06. Review status: criteria provided, single submitter. Criteria: Invitae Variant Classification Sherloc (09022015). Collection method: clinical testing. Allele origin: germline.
Comment: This sequence change replaces methionine, which is neutral and non-polar, with isoleucine, which is neutral and non-polar, at codon 64 of the SRY protein (p.Met64Ile). The frequency data for this variant in the population databases is considered unreliable, as metrics indicate insufficient coverage at this position in the gnomAD database. This missense change has been observed in individual(s) with 46,XY differences of sex development (PMID: 2247149, 37147882). In at least one individual the variant was observed to be de novo. ClinVar contains an entry for this variant (Variation ID: 9747). An algorithm developed to predict the effect of missense changes on protein structure and function (PolyPhen-2) suggests that this variant is likely to be disruptive. Experimental studies have shown that this missense change affects SRY function (PMID: 7813448, 16762365). This variant disrupts the p.Met64 amino acid residue in SRY. Other variant(s) that disrupt this residue have been observed in individuals with SRY-related conditions (PMID: 9678356), which suggests that this may be a clinically significant amino acid residue. In summary, the currently available evidence indicates that the variant is pathogenic, but additional data are needed to prove that conclusively. Therefore, this variant has been classified as Likely Pathogenic.

OMIM
Classification: Pathogenic for 46,XY SEX REVERSAL 1. Last evaluated: 1990-11-29. Review status: no assertion criteria provided. Collection method: literature only. Allele origin: germline. Not counted in ClinVar's aggregate classification.

Literature cited by the submitters: PubMed 2247149 (cited by Labcorp Genetics (formerly Invitae), Labcorp and OMIM); PubMed 37147882 (cited by Labcorp Genetics (formerly Invitae), Labcorp); PubMed 7813448 (cited by Labcorp Genetics (formerly Invitae), Labcorp); PubMed 16762365 (cited by Labcorp Genetics (formerly Invitae), Labcorp); PubMed 9678356 (cited by Labcorp Genetics (formerly Invitae), Labcorp).